The following is an entry in ClinVar:

ClinVar aggregate classification (germline): Likely benign (0 of 4 stars; one submission).

Conditions:
CEP78-related disorder. Also called: CEP78-related condition.

gnomAD v4.1: 1 of 1,607,994 alleles (0.000062%); highest among the groups gnomAD compares: Non-Finnish European, 0.000085%; no homozygotes.

Submission:

PreventionGenetics, part of Exact Sciences
Classification: Likely benign for CEP78-related condition. Last evaluated: 2019-03-05. Review status: no assertion criteria provided. Collection method: clinical testing. Allele origin: germline.
Comment: This variant is classified as likely benign based on ACMG/AMP sequence variant interpretation guidelines (Richards et al. 2015 PMID: 25741868, with internal and published modifications).

NM_001330691.3(CEP78):c.1137C>G (p.Pro379=)

Gene: CEP78 (centrosomal protein 78; plus strand). Cytogenetic location: 9q21.2.
Variant type: single nucleotide variant.
Coding change: c.1137C>G on transcript NM_001330691.3 (MANE Select); coding-DNA position 1137, C replaced by G.
Protein change: p.Pro379=; no amino-acid change (proline 379 retained).
Molecular consequence: synonymous variant.
Genome position (GRCh38, 1-based): chr9:78,251,975, C>G. VCF-style: chr9-78251975-C-G. GRCh37 (hg19) VCF-style: chr9-80866891-C-G.
Other names: c.1140C>G, p.Pro380= (NM_001098802.3, NM_001349839.2, NM_001349840.2 and 1 more transcripts); c.1137C>G, p.Pro379= (NM_001330693.3, NM_001330694.2, NM_001349838.2).
Identifiers: ClinVar variation 3057692 (VCV003057692.2), dbSNP rs1020634186, ClinGen allele CA465541634.